The following is an entry in ClinVar:

NM_001267550.2(TTN):c.80365_80432del (p.Leu26789fs)

Genes: TTN-AS1 (TTN antisense RNA 1; plus strand), TTN (titin; minus strand). Cytogenetic location: 2q31.2.
Variant type: Deletion.
Coding change: c.80365_80432del on transcript NM_001267550.2 (MANE Select); coding-DNA positions 80365 to 80432, 68 bases deleted.
Protein change: p.Leu26789fs; shifts the reading frame from leucine 26789.
Molecular consequence: frameshift variant.
Genome position (GRCh38, 1-based): chr2:178,565,700-178,565,767, 68 bases deleted. GRCh37 (hg19): chr2:179,430,427-179,430,494.
Other names: c.75442_75509del, p.Leu25148fs (NM_001256850.1); c.53170_53237del, p.Leu17724fs (NM_003319.4); c.72661_72728del, p.Leu24221fs (NM_133378.4); c.53545_53612del, p.Leu17849fs (NM_133432.3); c.53746_53813del, p.Leu17916fs (NM_133437.4); c.75442_75509delCTCACTGATGTGTCCCAGACCAGTGCATCACTTATGTGGGAGAAACCTGAACATGATGGCGGTAGCAG (NM_001256850.1); c.75442_75509del68 (NM_001256850.1); c.80365_80432del (NM_001267550.1); and 1 more; short protein forms L24221fs, L25148fs, L17724fs, L26789fs, L17849fs, L17916fs.
Identifiers: ClinVar variation 373379 (VCV000373379.10), dbSNP rs1575674631, ClinGen allele CA16042376.

ClinVar aggregate classification (germline): Pathogenic/Likely pathogenic. Review status: criteria provided, multiple submitters, no conflicts (2 of 4 stars). 3 submissions from 3 submitters: Pathogenic (1); Likely pathogenic (2). Last evaluated 2025-09-02.

Conditions:
Autosomal recessive limb-girdle muscular dystrophy type 2J (LGMDR10). Also called: Limb-girdle muscular dystrophy, type 2J; MUSCULAR DYSTROPHY, LIMB-GIRDLE, AUTOSOMAL RECESSIVE 10. Identifiers: Orphanet 140922, MedGen C1837342, MONDO:0012127, OMIM 608807.
Dilated cardiomyopathy 1G (CMD1G). Identifiers: Orphanet 154, MedGen C1858763, MONDO:0011400, OMIM 604145.
Cardiovascular phenotype. Identifiers: MedGen CN230736.

Submissions (3):

Labcorp Genetics (formerly Invitae), Labcorp
Classification: Likely pathogenic for Dilated cardiomyopathy 1G; Autosomal recessive limb-girdle muscular dystrophy type 2J. Last evaluated: 2025-09-02. Review status: criteria provided, single submitter. Criteria: Invitae Variant Classification Sherloc (09022015). Collection method: clinical testing. Allele origin: germline.
Comment: This sequence change creates a premature translational stop signal (p.Leu26789Serfs*7) in the TTN gene. While this is not anticipated to result in nonsense mediated decay, it is expected to create a truncated TTN protein. This variant is not present in population databases (gnomAD no frequency). This variant has not been reported in the literature in individuals affected with TTN-related conditions. ClinVar contains an entry for this variant (Variation ID: 373379). This variant is located in the A band of TTN (PMID: 25589632). Truncating variants in this region are significantly overrepresented in patients affected with dilated cardiomyopathy (PMID: 25589632). Truncating variants in this region have also been reported in individuals affected with autosomal recessive centronuclear myopathy (PMID: 23975875). In summary, the currently available evidence indicates that the variant is pathogenic, but additional data are needed to prove that conclusively. Therefore, this variant has been classified as Likely Pathogenic.

GeneDx
Classification: Pathogenic. Last evaluated: 2024-06-25. Review status: criteria provided, single submitter. Criteria: GeneDx Variant Classification Process June 2021. Collection method: clinical testing. Allele origin: germline. Affected: yes.
Comment: Has not been previously published as pathogenic or benign to our knowledge; Not observed at significant frequency in large population cohorts (gnomAD); Frameshift variant predicted to result in protein truncation or nonsense mediated decay in a gene for which loss-of-function is a known mechanism of disease; Located in the A-band region of TTN in which the majority of loss of function variants have been associated with autosomal dominant titinopathies (PMID: 22335739); This variant is associated with the following publications: (PMID: 22335739)

Ambry Genetics
Classification: Likely pathogenic for Cardiovascular phenotype. Last evaluated: 2023-04-24. Review status: criteria provided, single submitter. Criteria: Ambry Variant Classification Scheme 2023. Collection method: clinical testing. Allele origin: germline.
Comment: The c.53170_53237del68 variant, located in coding exon 153 of the TTN gene, results from a deletion of 68 nucleotides at nucleotide positions 53170 to 53237, causing a translational frameshift with a predicted alternate stop codon (p.L17724Sfs*7). This exon is located in the A-band region of the N2-B isoform of the titin protein and is constitutively expressed in TTN transcripts (percent spliced in or PSI 100%). This variant is considered to be rare based on population cohorts in the Genome Aggregation Database (gnomAD). This alteration is expected to result in loss of function by premature protein truncation or nonsense-mediated mRNA decay. While truncating variants in TTN are present in 1-3% of the general population, truncating variants in the A-band are the most common cause of dilated cardiomyopathy (DCM) (Herman DS et al. N. Engl. J. Med., 2012 Feb;366:619-28; Roberts AM et al. Sci Transl Med, 2015 Jan;7:270ra6). TTN truncating variants encoded in constitutive exons (PSI >90%) have been found to be significantly associated with DCM regardless of their position in titin (Schafer S et al. Nat. Genet., 2017 01;49:46-53). Based on the majority of available evidence to date, this variant is likely to be pathogenic.

Literature cited by the submitters: PubMed 25589632 (cited by Labcorp Genetics (formerly Invitae), Labcorp); PubMed 23975875 (cited by Labcorp Genetics (formerly Invitae), Labcorp).